The following is an entry in ClinVar:

ClinVar aggregate classification (germline): Likely benign (0 of 4 stars; one submission).

Conditions:
MYF5-related disorder. Also called: MYF5-related condition.

Allele frequency attached by ClinVar (database versions not stated): gnomAD exomes 0.00001; ExAC 0.00006; ESP Exome Variant Server 0.00008; 1000 Genomes Project 30x 0.00016; gnomAD 0.00017; TOPMed 0.00017; 1000 Genomes Project 0.00020.
gnomAD v4.1: 51 of 1,614,060 alleles (0.0032%); highest among the groups gnomAD compares: Middle Eastern, 0.049%; no homozygotes.

Submission:

PreventionGenetics, part of Exact Sciences
Classification: Likely benign for MYF5-related condition. Last evaluated: 2019-05-20. Review status: no assertion criteria provided. Collection method: clinical testing. Allele origin: germline.
Comment: This variant is classified as likely benign based on ACMG/AMP sequence variant interpretation guidelines (Richards et al. 2015 PMID: 25741868, with internal and published modifications).

NM_005593.3(MYF5):c.624C>A (p.Ser208=)

Gene: MYF5 (myogenic factor 5; plus strand). Cytogenetic location: 12q21.31.
Variant type: single nucleotide variant.
Coding change: c.624C>A on transcript NM_005593.3 (MANE Select); coding-DNA position 624, C replaced by A.
Protein change: p.Ser208=; no amino-acid change (serine 208 retained).
Molecular consequence: synonymous variant.
Genome position (GRCh38, 1-based): chr12:80,718,907, C>A. VCF-style: chr12-80718907-C-A. GRCh37 (hg19) VCF-style: chr12-81112686-C-A.
Identifiers: ClinVar variation 3041246 (VCV003041246.2), dbSNP rs146104243, ClinGen allele CA6703373.